The following is an entry in ClinVar:

NM_001561.6(TNFRSF9):c.413+4C>T

Gene: TNFRSF9 (TNF receptor superfamily member 9; minus strand). Cytogenetic location: 1p36.23.
Variant type: single nucleotide variant.
Coding change: c.413+4C>T on transcript NM_001561.6 (MANE Select); 4 bases into the intron after coding-DNA position 413, C replaced by T.
Molecular consequence: intron variant.
Genome position (GRCh38, 1-based): chr1:7,937,686, G>A on the plus strand (C>T on the coding strand, the complement: TNFRSF9 is on the minus strand). VCF-style: chr1-7937686-G-A. GRCh37 (hg19) VCF-style: chr1-7997746-G-A.
Identifiers: ClinVar variation 1430745 (VCV001430745.6), dbSNP rs373663685, ClinGen allele CA569238.

ClinVar aggregate classification (germline): Conflicting classifications of pathogenicity. Review status: criteria provided, conflicting classifications (1 of 4 stars). 2 submissions from 2 submitters: Uncertain significance (1); Likely benign (1). Last evaluated 2025-09-13.

Allele frequency attached by ClinVar (database versions not stated): ESP Exome Variant Server 0.00008; gnomAD 0.00008; TOPMed 0.00008; ExAC 0.00009; gnomAD exomes 0.00010; 1000 Genomes Project 30x 0.00016; 1000 Genomes Project 0.00020.
gnomAD v4.1: 72 of 1,610,856 alleles (0.0045%); highest among the groups gnomAD compares: South Asian, 0.032%; no homozygotes.

Submissions (2):

Labcorp Genetics (formerly Invitae), Labcorp
Classification: Uncertain significance. Last evaluated: 2025-09-13. Review status: criteria provided, single submitter. Criteria: Invitae Variant Classification Sherloc (09022015). Collection method: clinical testing. Allele origin: germline.
Comment: This sequence change falls in intron 6 of the TNFRSF9 gene. It does not directly change the encoded amino acid sequence of the TNFRSF9 protein. It affects a nucleotide within the consensus splice site. This variant is present in population databases (rs373663685, gnomAD 0.04%). This variant has not been reported in the literature in individuals affected with TNFRSF9-related conditions. ClinVar contains an entry for this variant (Variation ID: 1430745). Variants that disrupt the consensus splice site are a relatively common cause of aberrant splicing (PMID: 17576681, 9536098). Algorithms developed to predict the effect of sequence changes on RNA splicing suggest that this variant is not likely to affect RNA splicing. In summary, the available evidence is currently insufficient to determine the role of this variant in disease. Therefore, it has been classified as a Variant of Uncertain Significance.

Blueprint Genetics
Classification: Likely benign. Last evaluated: 2024-10-23. Review status: criteria provided, single submitter. Criteria: ACMG Guidelines, 2015. Collection method: clinical testing. Allele origin: germline.

Literature cited by the submitters: PubMed 17576681 (cited by Labcorp Genetics (formerly Invitae), Labcorp); PubMed 9536098 (cited by Labcorp Genetics (formerly Invitae), Labcorp).